The following is an entry in ClinVar:

NM_004519.4(KCNQ3):c.1043C>T (p.Ala348Val)

Gene: KCNQ3 (potassium voltage-gated channel subfamily Q member 3; minus strand). Cytogenetic location: 8q24.22.
Variant type: single nucleotide variant.
Coding change: c.1043C>T on transcript NM_004519.4 (MANE Select); coding-DNA position 1043, C replaced by T.
Protein change: p.Ala348Val; replaces alanine 348 with valine.
Molecular consequence: missense variant.
Genome position (GRCh38, 1-based): chr8:132,174,240, G>A on the plus strand (C>T on the coding strand, the complement: KCNQ3 is on the minus strand). VCF-style: chr8-132174240-G-A. GRCh37 (hg19) VCF-style: chr8-133186487-G-A.
Other names: p.A348V:GCG>GTG; c.683C>T, p.Ala228Val (NM_001204824.2); c.1043C>T (NM_004519.3); short protein forms A348V, A228V.
Identifiers: ClinVar variation 205967 (VCV000205967.12), dbSNP rs796052679, ClinGen allele CA315601.

ClinVar aggregate classification (germline): Uncertain significance. Review status: criteria provided, multiple submitters, no conflicts (2 of 4 stars). 3 submissions from 3 submitters: Uncertain significance (3). Last evaluated 2025-10-29.

Conditions:
Benign neonatal seizures. Also called: Benign familial neonatal epilepsy; Benign familial neonatal seizures; Benign neonatal familial convulsions; Convulsions benign familial neonatal dominant form; Autosomal dominant form of benign neonatal seizures. Identifiers: Orphanet 1949, MedGen C0220669, MONDO:0016027.
Seizures, benign familial neonatal, 2. Also called: Benign Neonatal Epilepsy 2; Seizures, benign neonatal, 2; CONVULSIONS, BENIGN FAMILIAL NEONATAL, 2; KCNQ3-Related Benign Familial Neonatal Epilepsy; KCNQ3-Related Self-Limited Familial Neonatal Epilepsy (SLFNE). Identifiers: Orphanet 1949, MedGen C1852581, MONDO:0007366, OMIM 121201.

Allele frequency attached by ClinVar (database versions not stated): gnomAD exomes below 0.00001.

Submissions (3):

3billion
Classification: Uncertain significance for Seizures, benign familial neonatal, 2. Last evaluated: 2025-10-29. Review status: criteria provided, single submitter. Criteria: ACMG Guidelines, 2015. Collection method: clinical testing. Allele origin: germline. Affected: yes.
Comment: The variant is observed at an extremely low frequency in the gnomAD v4.1.0 dataset (total allele frequency: <0.001%). Predicted Consequence/Location: Missense variant In silico tool predictions suggest damaging effect of the variant on gene or gene product [REVEL: 0.75 (>=0.6, sensitivity 0.68 and specificity 0.92); 3Cnet: 0.99 (> 0.75, sensitivity 0.96 and precision 0.92)]. The variant has been reported as of uncertain significance (ClinVar ID: VCV000205967; PMID: 32613771; 3billion dataset). Therefore, this variant is classified as VUS according to the recommendation of ACMG/AMP guideline.

GeneDx
Classification: Uncertain significance. Last evaluated: 2025-09-22. Review status: criteria provided, single submitter. Criteria: GeneDx Variant Classification Process June 2021. Collection method: clinical testing. Allele origin: germline. Affected: yes.
Comment: Previously reported in a proband with early onset epilepsy; segregation data were not provided (PMID: 32613771); Not observed at significant frequency in large population cohorts (gnomAD); In silico analysis supports that this missense variant has a deleterious effect on protein structure/function; This variant is associated with the following publications: (PMID: 32613771)

Labcorp Genetics (formerly Invitae), Labcorp
Classification: Uncertain significance for Benign neonatal seizures. Last evaluated: 2023-10-03. Review status: criteria provided, single submitter. Criteria: Invitae Variant Classification Sherloc (09022015). Collection method: clinical testing. Allele origin: germline.
Comment: This sequence change replaces alanine, which is neutral and non-polar, with valine, which is neutral and non-polar, at codon 348 of the KCNQ3 protein (p.Ala348Val). This variant is not present in population databases (gnomAD no frequency). This missense change has been observed in individual(s) with clinical features of KCNQ3-related conditions (PMID: 32613771). ClinVar contains an entry for this variant (Variation ID: 205967). An algorithm developed to predict the effect of missense changes on protein structure and function (PolyPhen-2) suggests that this variant is likely to be disruptive. In summary, the available evidence is currently insufficient to determine the role of this variant in disease. Therefore, it has been classified as a Variant of Uncertain Significance.

Literature cited by the submitters: PubMed 32613771 (cited by Labcorp Genetics (formerly Invitae), Labcorp).